The following is an entry in ClinVar:

NM_032043.3(BRIP1):c.3509T>A (p.Leu1170His)

Gene: BRIP1 (BRCA1 interacting DNA helicase 1; minus strand). Cytogenetic location: 17q23.2.
Variant type: single nucleotide variant.
Coding change: c.3509T>A on transcript NM_032043.3 (MANE Select); coding-DNA position 3509, T replaced by A.
Protein change: p.Leu1170His; replaces leucine 1170 with histidine.
Molecular consequence: missense variant.
Genome position (GRCh38, 1-based): chr17:61,683,537, A>T on the plus strand (T>A on the coding strand, the complement: BRIP1 is on the minus strand). VCF-style: chr17-61683537-A-T. GRCh37 (hg19) VCF-style: chr17-59760898-A-T.
Other names: short protein forms L1170H.
Identifiers: ClinVar variation 2117444 (VCV002117444.4), dbSNP rs2144073418, ClinGen allele CA400478484.
Genomic context (GRCh38, chr17:61,683,537, plus strand): 5'-CAATCCTCAGCTTTCACTTCTCTGGCTGAATCTACTTCTTTTATAGTTCTAATTTCAAAA[A>T]GGTCTTTAGCTAAAATGCAATCTGAATTGTTAGCCAATCTATTTCCTCTATCAGTTTCAG-3'
Protein context (NP_114432.2, residues 1160-1180): NNSDCILAKD[Leu1170His]FEIRTIKEVD

ClinVar aggregate classification (germline): Uncertain significance (1 of 4 stars; one submission).

Conditions:
Fanconi anemia complementation group J. Also called: BRIP1-Related Fanconi Anemia. Identifiers: Orphanet 84, MedGen C1836860, MONDO:0012187, OMIM 609054.
Familial cancer of breast. Also called: BREAST CANCER, FAMILIAL; hereditary breast carcinoma; Hereditary breast cancer. Identifiers: Orphanet 227535, MedGen C0346153, MONDO:0016419, OMIM 114480. Disease mechanism: loss of function.

Submission:

Labcorp Genetics (formerly Invitae), Labcorp
Classification: Uncertain significance for Familial cancer of breast; Fanconi anemia complementation group J. Last evaluated: 2022-03-26. Review status: criteria provided, single submitter. Criteria: Invitae Variant Classification Sherloc (09022015). Collection method: clinical testing. Allele origin: germline.
Comment: In summary, the available evidence is currently insufficient to determine the role of this variant in disease. Therefore, it has been classified as a Variant of Uncertain Significance. Algorithms developed to predict the effect of missense changes on protein structure and function are either unavailable or do not agree on the potential impact of this missense change (SIFT: "Deleterious"; PolyPhen-2: "Probably Damaging"; Align-GVGD: "Class C0"). This variant has not been reported in the literature in individuals affected with BRIP1-related conditions. This variant is not present in population databases (gnomAD no frequency). This sequence change replaces leucine, which is neutral and non-polar, with histidine, which is basic and polar, at codon 1170 of the BRIP1 protein (p.Leu1170His).